The following is an entry in ClinVar:

NM_014639.4(SKIC3):c.4053+1G>A

Gene: SKIC3 (SKI3 subunit of superkiller complex; minus strand). Cytogenetic location: 5q15.
Variant type: single nucleotide variant.
Coding change: c.4053+1G>A on transcript NM_014639.4 (MANE Select); the canonical splice donor site of the intron after coding-DNA position 4053, G replaced by A.
Molecular consequence: splice donor variant.
Genome position (GRCh38, 1-based): chr5:95,484,723, C>T on the plus strand (G>A on the coding strand, the complement: SKIC3 is on the minus strand). VCF-style: chr5-95484723-C-T. GRCh37 (hg19) VCF-style: chr5-94820427-C-T.
Identifiers: ClinVar variation 2844108 (VCV002844108.3), dbSNP rs1364300712, ClinGen allele CA360445178.

ClinVar aggregate classification (germline): Likely pathogenic (1 of 4 stars; one submission).

gnomAD v4.1: 2 of 1,614,034 alleles (0.00012%); highest among the groups gnomAD compares: Non-Finnish European, 0.00017%; no homozygotes.

Submission:

Labcorp Genetics (formerly Invitae), Labcorp
Classification: Likely pathogenic. Last evaluated: 2023-03-08. Review status: criteria provided, single submitter. Criteria: Invitae Variant Classification Sherloc (09022015). Collection method: clinical testing. Allele origin: germline.
Comment: In summary, the currently available evidence indicates that the variant is pathogenic, but additional data are needed to prove that conclusively. Therefore, this variant has been classified as Likely Pathogenic. Algorithms developed to predict the effect of sequence changes on RNA splicing suggest that this variant may disrupt the consensus splice site. This variant has not been reported in the literature in individuals affected with TTC37-related conditions. This variant is not present in population databases (gnomAD no frequency). This sequence change affects a donor splice site in intron 38 of the TTC37 gene. It is expected to disrupt RNA splicing. Variants that disrupt the donor or acceptor splice site typically lead to a loss of protein function (PMID: 16199547), and loss-of-function variants in TTC37 are known to be pathogenic (PMID: 20176027, 21120949).

Literature cited by the submitters: PubMed 16199547; PubMed 20176027; PubMed 21120949.